The following is an entry in ClinVar:

ClinVar aggregate classification (germline): Benign/Likely benign. Review status: criteria provided, multiple submitters, no conflicts (2 of 4 stars). 5 submissions from 5 submitters: Benign (2); Likely benign (1). 2 of the submissions do not count toward it. Last evaluated 2026-02-01.

Allele frequency attached by ClinVar (database versions not stated): 1000 Genomes Project 30x 0.00156; 1000 Genomes Project 0.00160; gnomAD 0.00165 and 0.00183; TOPMed 0.00173; ESP Exome Variant Server 0.00202; gnomAD exomes 0.00232 and 0.00251; ExAC 0.00248.
gnomAD v4.1: 3,715 of 1,612,062 alleles (0.23%); highest among the groups gnomAD compares: Middle Eastern, 0.5%; 14 homozygotes.

Submissions (5):

CeGaT Center for Human Genetics Tuebingen
Classification: Likely benign. Last evaluated: 2026-02-01. Review status: criteria provided, single submitter. Criteria: CeGaT Center For Human Genetics Tuebingen Variant Classification Criteria Version 2. Collection method: clinical testing. Allele origin: germline. Affected: yes. Observed: 2 variant alleles.
Comment: ABL1: BP4, BP7, BS1

Labcorp Genetics (formerly Invitae), Labcorp
Classification: Benign. Last evaluated: 2026-02-01. Review status: criteria provided, single submitter. Criteria: Invitae Variant Classification Sherloc (09022015). Collection method: clinical testing. Allele origin: germline.

Breakthrough Genomics
Classification: Benign. Review status: criteria provided, single submitter. Criteria: ACMG Guidelines, 2015. Collection method: not provided. Allele origin: germline. Inheritance: Autosomal dominant inheritance. Affected: yes.

Clinical Genetics DNA and cytogenetics Diagnostics Lab, Erasmus MC, Erasmus Medical Center
Classification: Likely benign. Review status: no assertion criteria provided. Collection method: clinical testing. Allele origin: germline. Affected: yes. Study: VKGL Data-share Consensus. Not counted in ClinVar's aggregate classification.

Laboratory of Diagnostic Genome Analysis, Leiden University Medical Center (LUMC)
Classification: Benign. Review status: no assertion criteria provided. Collection method: clinical testing. Allele origin: germline. Affected: yes. Study: VKGL Data-share Consensus. Not counted in ClinVar's aggregate classification.

NM_005157.6(ABL1):c.2040C>T (p.Gly680=)

Gene: ABL1 (ABL proto-oncogene 1, non-receptor tyrosine kinase; plus strand). Cytogenetic location: 9q34.12.
Variant type: single nucleotide variant.
Coding change: c.2040C>T on transcript NM_005157.6 (MANE Select); coding-DNA position 2040, C replaced by T.
Protein change: p.Gly680=; no amino-acid change (glycine 680 retained).
Molecular consequence: synonymous variant.
Genome position (GRCh38, 1-based): chr9:130,884,330, C>T. VCF-style: chr9-130884330-C-T. GRCh37 (hg19) VCF-style: chr9-133759717-C-T.
Other names: c.2097C>T, p.Gly699= (NM_007313.3).
Identifiers: ClinVar variation 731278 (VCV000731278.17), dbSNP rs200800111, ClinGen allele CA5285615.